The following is an entry in ClinVar:

ClinVar aggregate classification (germline): Pathogenic (1 of 4 stars; one submission).

Submission:

Labcorp Genetics (formerly Invitae), Labcorp
Classification: Pathogenic. Last evaluated: 2023-08-28. Review status: criteria provided, single submitter. Criteria: Invitae Variant Classification Sherloc (09022015). Collection method: clinical testing. Allele origin: germline.
Comment: This sequence change creates a premature translational stop signal (p.Gly704Glufs*75) in the LZTR1 gene. It is expected to result in an absent or disrupted protein product. Loss-of-function variants in LZTR1 are known to be pathogenic (PMID: 24362817, 25335493, 25480913, 25795793, 29469822, 30368668, 30442762, 30442766, 30481304, 30859559). This variant is not present in population databases (gnomAD no frequency). This variant has not been reported in the literature in individuals affected with LZTR1-related conditions. ClinVar contains an entry for this variant (Variation ID: 1373015). For these reasons, this variant has been classified as Pathogenic.

Literature cited by the submitters: PubMed 24362817; PubMed 25335493; PubMed 25480913; PubMed 25795793; PubMed 29469822; PubMed 30368668; PubMed 30442762; PubMed 30442766; PubMed 30481304; PubMed 30859559.

NM_006767.4(LZTR1):c.2111_2118del (p.Gly704fs)

Gene: LZTR1 (leucine zipper like post translational regulator 1; plus strand). Cytogenetic location: 22q11.21.
Variant type: Deletion.
Coding change: c.2111_2118del on transcript NM_006767.4 (MANE Select); coding-DNA positions 2111 to 2118, 8 bases deleted (GGCAGGTG; older notation c.2111_2118delGGCAGGTG).
Protein change: p.Gly704fs; shifts the reading frame from glycine 704.
Molecular consequence: frameshift variant.
Genome position (GRCh38, 1-based): chr22:20,996,004-20,996,011, GGCAGGTG deleted; deleting any 8 consecutive bases within chr22:20,996,002-20,996,011 gives the same sequence; the c. name uses the placement nearest the transcript's 3' end. VCF-style (leftmost placement, unchanged base first): chr22-20996001-ATGGGCAGG-A. GRCh37 (hg19) VCF-style: chr22-21350290-ATGGGCAGG-A.
Other names: short protein forms G704fs.
Identifiers: ClinVar variation 1373015 (VCV001373015.6), dbSNP rs2147969603, ClinGen allele CA2573157838.
Genomic context (GRCh38, chr22:20,996,001, plus strand): 5'-GCCTACCGCTCGTTGTCTGCAGCTACTTTGAAGCCATGTTCCGGTCCTTCATGCCCGAAG[ATGGGCAGG>A]TGAACATCTCCATCGGGGAGATGGTGCCCAGCAGGCAGGCCTTCGAGTCCATGCTGCGCT-3'